The following is an entry in ClinVar:

NM_001377.3(DYNC2H1):c.11650-245T>C

Gene: DYNC2H1 (dynein cytoplasmic 2 heavy chain 1; plus strand). Cytogenetic location: 11q22.3.
Variant type: single nucleotide variant.
Coding change: c.11650-245T>C on transcript NM_001377.3 (MANE Select); 245 bases into the intron before coding-DNA position 11650, T replaced by C.
Molecular consequence: intron variant.
Genome position (GRCh38, 1-based): chr11:103,316,300, T>C. VCF-style: chr11-103316300-T-C. GRCh37 (hg19) VCF-style: chr11-103187029-T-C.
Other names: c.11671-245T>C (NM_001080463.2).
Identifiers: ClinVar variation 667777 (VCV000667777.1), dbSNP rs10895396, ClinGen allele CA227431331.

ClinVar aggregate classification (germline): Benign (1 of 4 stars; one submission).

Allele frequency attached by ClinVar (database versions not stated): 1000 Genomes Project 0.20228; 1000 Genomes Project 30x 0.20753; gnomAD 0.21502 and 0.21514; TOPMed 0.22833.
gnomAD v4.1: 32,727 of 151,912 alleles (22%); highest among the groups gnomAD compares: Admixed American, 31%; 3,660 homozygotes.

Submission:

GeneDx
Classification: Benign. Last evaluated: 2018-06-14. Review status: criteria provided, single submitter. Criteria: GeneDx Variant Classification (06012015). Collection method: clinical testing. Allele origin: germline. Affected: yes.
Comment: This variant is considered likely benign or benign based on one or more of the following criteria: it is a conservative change, it occurs at a poorly conserved position in the protein, it is predicted to be benign by multiple in silico algorithms, and/or has population frequency not consistent with disease.